The following is an entry in ClinVar:

NM_014679.5(CEP57):c.37C>T (p.His13Tyr)

Genes: CEP57 (centrosomal protein 57; plus strand), LOC130006618 (ATAC-STARR-seq lymphoblastoid active region 5417; plus strand). Cytogenetic location: 11q21.
Variant type: single nucleotide variant.
Coding change: c.37C>T on transcript NM_014679.5 (MANE Select); coding-DNA position 37, C replaced by T.
Protein change: p.His13Tyr; replaces histidine 13 with tyrosine.
Molecular consequence: missense variant. On other transcripts: 5 prime UTR variant (2).
Genome position (GRCh38, 1-based): chr11:95,790,735, C>T. VCF-style: chr11-95790735-C-T. GRCh37 (hg19) VCF-style: chr11-95523899-C-T.
Other names: c.37C>T (NM_014679.4); c.-35C>T (NM_001243776.2); c.37C>T, p.His13Tyr (NM_001243777.2); c.-358C>T (NM_001363604.2); short protein forms H13Y.
Identifiers: ClinVar variation 1472900 (VCV001472900.9), dbSNP rs770949915, ClinGen allele CA6239306.
Genomic context (GRCh38, chr11:95,790,735, plus strand): 5'-GAGACCCCCTGGGCAGGCTGAAAGATGGCGGCGGCGTCTGTCTCTGCGGCTTCTGGTTCT[C>T]ACTTGTCGGTAAGAAGCAGTTGGCGCGAGTGGGCCCCACGTCGGCCCTAAGCGCCTCTTT-3'
Protein context (NP_055494.2, residues 3-23): AASVSAASGS[His13Tyr]LSNSFAEPSR

ClinVar aggregate classification (germline): Uncertain significance. Review status: criteria provided, multiple submitters, no conflicts (2 of 4 stars). 2 submissions from 2 submitters: Uncertain significance (2). Last evaluated 2025-03-18.

Conditions:
Inborn genetic diseases. Identifiers: MedGen C0950123, MeSH D030342.
Mosaic variegated aneuploidy syndrome 2 (MVA2). Identifiers: Orphanet 1052, MedGen C3279843, MONDO:0013582, OMIM 614114.

Allele frequency attached by ClinVar (database versions not stated): gnomAD exomes 0.00001 and 0.00003; ExAC 0.00005.
gnomAD v4.1: 17 of 1,614,094 alleles (0.0011%); highest among the groups gnomAD compares: Non-Finnish European, 0.001%; no homozygotes.

Submissions (2):

Ambry Genetics
Classification: Uncertain significance for Inborn genetic diseases. Last evaluated: 2025-03-18. Review status: criteria provided, single submitter. Criteria: Ambry Variant Classification Scheme 2023. Collection method: clinical testing. Allele origin: germline.
Comment: The p.H13Y variant (also known as c.37C>T), located in coding exon 1 of the CEP57 gene, results from a C to T substitution at nucleotide position 37. The histidine at codon 13 is replaced by tyrosine, an amino acid with similar properties. This amino acid position is conserved. In addition, this alteration is predicted to be tolerated by in silico analysis. Based on the available evidence, the clinical significance of this variant remains unclear.

Labcorp Genetics (formerly Invitae), Labcorp
Classification: Uncertain significance for Mosaic variegated aneuploidy syndrome 2. Last evaluated: 2021-01-16. Review status: criteria provided, single submitter. Criteria: Invitae Variant Classification Sherloc (09022015). Collection method: clinical testing. Allele origin: germline.
Comment: Algorithms developed to predict the effect of missense changes on protein structure and function are either unavailable or do not agree on the potential impact of this missense change (SIFT: "Tolerated"; PolyPhen-2: "Not Available"; Align-GVGD: "Class C0"). In summary, the available evidence is currently insufficient to determine the role of this variant in disease. Therefore, it has been classified as a Variant of Uncertain Significance. This variant has not been reported in the literature in individuals with CEP57-related conditions. This sequence change replaces histidine with tyrosine at codon 13 of the CEP57 protein (p.His13Tyr). The histidine residue is weakly conserved and there is a moderate physicochemical difference between histidine and tyrosine. This variant is present in population databases (rs770949915, ExAC 0.01%).